The following is an entry in ClinVar:

ClinVar aggregate classification (germline): Uncertain significance (1 of 4 stars; one submission).

gnomAD v4.1: 1 of 1,613,980 alleles (0.000062%); highest among the groups gnomAD compares: Non-Finnish European, 0.000085%; no homozygotes.

Submission:

Ambry Genetics
Classification: Uncertain significance. Last evaluated: 2025-08-01. Review status: criteria provided, single submitter. Criteria: Ambry Variant Classification Scheme 2023. Collection method: clinical testing. Allele origin: germline.
Comment: The p.T171N variant (also known as c.512C>A), located in coding exon 3 of the GEN1 gene, results from a C to A substitution at nucleotide position 512. The threonine at codon 171 is replaced by asparagine, an amino acid with similar properties. This amino acid position is conserved. In addition, this alteration is predicted to be tolerated by in silico analysis. Based on the available evidence, the clinical significance of this variant remains unclear.

NM_001130009.3(GEN1):c.512C>A (p.Thr171Asn)

Gene: GEN1 (GEN1 Holliday junction 5' flap endonuclease; plus strand). Cytogenetic location: 2p24.2.
Variant type: single nucleotide variant.
Coding change: c.512C>A on transcript NM_001130009.3 (MANE Select); coding-DNA position 512, C replaced by A.
Protein change: p.Thr171Asn; replaces threonine 171 with asparagine.
Molecular consequence: missense variant.
Genome position (GRCh38, 1-based): chr2:17,765,060, C>A. VCF-style: chr2-17765060-C-A. GRCh37 (hg19) VCF-style: chr2-17946327-C-A.
Other names: c.512C>A, p.Thr171Asn (NM_182625.5); short protein forms T171N.
Identifiers: ClinVar variation 4263051 (VCV004263051.1).
Genomic context (GRCh38, chr2:17,765,060, plus strand): 5'-GCCTCACCAATGATGGAGATACTTTCCTTTATGGGGCCCAGACTGTTTACAGGAATTTCA[C>A]TATGAATACAAAGGTGTTTATTTTCTTTCTCTTTTTCAGCATTTGTTTACGAACTACCTT-3'
Protein context (NP_001123481.3, residues 161-181): YGAQTVYRNF[Thr171Asn]MNTKDPHVDC